The following is an entry in ClinVar:

ClinVar aggregate classification (germline): Uncertain significance (1 of 4 stars; one submission).

Conditions:
Marshall-Smith syndrome (MRSHSS). Identifiers: Orphanet 561, MedGen C0265211, MONDO:0011244, OMIM 602535.
Malan overgrowth syndrome (MALNS). Also called: MALAN SYNDROME; NFIX-Related Malan Syndrome; Sotos syndrome 2. Identifiers: Orphanet 420179, MedGen C3553660, MONDO:0013885, OMIM 614753.

Submission:

Labcorp Genetics (formerly Invitae), Labcorp
Classification: Uncertain significance for Malan overgrowth syndrome; Marshall-Smith syndrome. Last evaluated: 2023-09-03. Review status: criteria provided, single submitter. Criteria: Invitae Variant Classification Sherloc (09022015). Collection method: clinical testing. Allele origin: germline.
Comment: Algorithms developed to predict the effect of sequence changes on RNA splicing suggest that this variant may create or strengthen a splice site. This sequence change falls in intron 1 of the NFIX gene. It does not directly change the encoded amino acid sequence of the NFIX protein. This variant is not present in population databases (gnomAD no frequency). This variant has not been reported in the literature in individuals affected with NFIX-related conditions. In summary, the available evidence is currently insufficient to determine the role of this variant in disease. Therefore, it has been classified as a Variant of Uncertain Significance.

NM_001365902.3(NFIX):c.28-340GT[6]

Gene: NFIX (nuclear factor I X; plus strand). Cytogenetic location: 19p13.13.
Variant type: Microsatellite.
Coding change: c.28-340GT[6] on transcript NM_001365902.3 (MANE Select); six copies in a row of the 2-base unit GT starting at c.28-340.
Molecular consequence: intron variant. On other transcripts: frameshift variant (1).
Genome position: GRCh38 VCF-style: chr19-13024680-C-CGT. GRCh37 (hg19) VCF-style: chr19-13135494-C-CGT.
Other names: c.46_47dup, p.Trp16fs (NM_001378405.1); c.28-340GT[6] (NM_002501.4, NM_001365982.2); c.4-340GT[6] (NM_001378404.1, NM_001271044.3); short protein forms W16fs.
Identifiers: ClinVar variation 2924846 (VCV002924846.3), ClinGen allele CA631854825.
Genomic context (GRCh38, chr19:13,024,680, plus strand): 5'-GGCTGCGATAGAACATGGAGATGTCATGGGCGCGACAGAGCCTGGCGGGGATACCAGCAG[C>CGT]GTGTGTGTGTGGACGGCAACGTTGTCTGTGCGCGTGTGTGTGAGTGAGTGAGGGAGAGAG-3'